The following is an entry in ClinVar:

ClinVar aggregate classification (germline): Uncertain significance (1 of 4 stars; one submission).

Conditions:
Hereditary nonpolyposis colorectal neoplasms. Identifiers: MedGen C0009405, MeSH D003123.

Submission:

Labcorp Genetics (formerly Invitae), Labcorp
Classification: Uncertain significance for Hereditary nonpolyposis colorectal neoplasms. Last evaluated: 2023-07-15. Review status: criteria provided, single submitter. Criteria: Invitae Variant Classification Sherloc (09022015). Collection method: clinical testing. Allele origin: germline.
Comment: This sequence change replaces arginine, which is basic and polar, with tryptophan, which is neutral and slightly polar, at codon 965 of the MSH6 protein (p.Arg965Trp). This variant is not present in population databases (gnomAD no frequency). This variant has not been reported in the literature in individuals affected with MSH6-related conditions. Advanced modeling of protein sequence and biophysical properties (such as structural, functional, and spatial information, amino acid conservation, physicochemical variation, residue mobility, and thermodynamic stability) performed at Invitae indicates that this missense variant is not expected to disrupt MSH6 protein function. In summary, the available evidence is currently insufficient to determine the role of this variant in disease. Therefore, it has been classified as a Variant of Uncertain Significance.

NM_000179.3(MSH6):c.2893A>T (p.Arg965Trp)

Gene: MSH6 (mutS homolog 6; plus strand). Cytogenetic location: 2p16.3.
Variant type: single nucleotide variant.
Coding change: c.2893A>T on transcript NM_000179.3 (MANE Select); coding-DNA position 2893, A replaced by T.
Protein change: p.Arg965Trp; replaces arginine 965 with tryptophan.
Molecular consequence: missense variant. On other transcripts: non-coding transcript variant (5), intron variant (2).
Genome position (GRCh38, 1-based): chr2:47,800,876, A>T. VCF-style: chr2-47800876-A-T. GRCh37 (hg19) VCF-style: chr2-48028015-A-T.
Other names: c.2893A>T, p.Arg965Trp (NM_001406800.1, NM_001406808.1, NM_001406809.1 and 2 more transcripts); c.2596A>T, p.Arg866Trp (NM_001406801.1, NM_001406805.1, NM_001406822.1 and 10 more transcripts); c.2989A>T, p.Arg997Trp (NM_001406802.1, NM_001406795.1); c.2815A>T, p.Arg939Trp (NM_001406804.1); c.2368A>T, p.Arg790Trp (NM_001406806.1, NM_001406807.1, NM_001406799.1); c.1987A>T, p.Arg663Trp (NM_001406811.1, NM_001406823.1, NM_001406829.1 and 6 more transcripts); c.2725A>T, p.Arg909Trp (NM_001406826.1); c.838A>T, p.Arg280Trp (NM_001407362.1); and 4 more; short protein forms R280W, R790W, R663W, R939W, R835W, R866W, R909W, R965W.
Identifiers: ClinVar variation 2743411 (VCV002743411.3), dbSNP rs1669524222, ClinGen allele CA346756077.
Genomic context (GRCh38, chr2:47,800,876, plus strand): 5'-AGAGAAAATGAACAGAGCCTCCTGGAATACCTAGAGAAACAGCGCAACAGAATTGGCTGT[A>T]GGACCATAGTCTATTGGGGGATTGGTAGGAACCGTTACCAGCTGGAAATTCCTGAGAATT-3'
Protein context (NP_000170.1, residues 955-975): LEKQRNRIGC[Arg965Trp]TIVYWGIGRN